The following is an entry in ClinVar:

ClinVar aggregate classification (germline): Uncertain significance (1 of 4 stars; one submission).

gnomAD v4.1: 25 of 1,613,510 alleles (0.0015%); highest among the groups gnomAD compares: African/African-American, 0.025%; no homozygotes.

Submission:

Dasa
Classification: Uncertain significance. Last evaluated: 2026-06-14. Review status: criteria provided, single submitter. Criteria: DASA Assertion Criteria. Collection method: clinical testing. Allele origin: germline.
Comment: NM_002458.3(MUC5B):c.13478C>T (p.Ser4493Phe) is a missense variant that results in the substitution of serine with phenylalanine. This variant is rare in population databases. Computational prediction algorithms are consistent with a benign effect. The currently available literature and clinical evidence are not sufficient to establish a definitive association between this variant and the reported condition. Therefore, this variant is classified as a variant of uncertain significance.

NM_002458.3(MUC5B):c.13478C>T (p.Ser4493Phe)

Gene: MUC5B (mucin 5B, oligomeric mucus/gel-forming; plus strand). Cytogenetic location: 11p15.5.
Variant type: single nucleotide variant.
Coding change: c.13478C>T on transcript NM_002458.3 (MANE Select); coding-DNA position 13478, C replaced by T.
Protein change: p.Ser4493Phe; replaces serine 4493 with phenylalanine.
Molecular consequence: missense variant.
Genome position (GRCh38, 1-based): chr11:1,250,358, C>T. VCF-style: chr11-1250358-C-T. GRCh37 (hg19) VCF-style: chr11-1271588-C-T.
Other names: short protein forms S4493F.
Identifiers: ClinVar variation 5020383 (VCV005020383.1).